The following is an entry in ClinVar:

ClinVar aggregate classification (germline): Likely benign. Review status: criteria provided, multiple submitters, no conflicts (2 of 4 stars). 2 submissions from 2 submitters: Likely benign (2). Last evaluated 2019-12-31.

Allele frequency attached by ClinVar (database versions not stated): ESP Exome Variant Server 0.00008; gnomAD 0.00011 and 0.00024; TOPMed 0.00021; ExAC 0.00115; 1000 Genomes Project 30x 0.00172; 1000 Genomes Project 0.00180.
gnomAD v4.1: 695 of 1,612,462 alleles (0.043%); highest among the groups gnomAD compares: South Asian, 0.54%; 4 homozygotes.

Submissions (2):

Labcorp Genetics (formerly Invitae), Labcorp
Classification: Likely benign. Last evaluated: 2019-12-31. Review status: criteria provided, single submitter. Criteria: Invitae Variant Classification Sherloc (09022015). Collection method: clinical testing. Allele origin: germline.

GeneDx
Classification: Likely benign. Last evaluated: 2016-09-01. Review status: criteria provided, single submitter. Criteria: GeneDx Variant Classification (06012015). Collection method: clinical testing. Allele origin: germline. Affected: yes.
Comment: This variant is considered likely benign or benign based on one or more of the following criteria: it is a conservative change, it occurs at a poorly conserved position in the protein, it is predicted to be benign by multiple in silico algorithms, and/or has population frequency not consistent with disease.

NM_004933.3(CDH15):c.2324G>A (p.Arg775Gln)

Gene: CDH15 (cadherin 15; plus strand). Cytogenetic location: 16q24.3.
Variant type: single nucleotide variant.
Coding change: c.2324G>A on transcript NM_004933.3 (MANE Select); coding-DNA position 2324, G replaced by A.
Protein change: p.Arg775Gln; replaces arginine 775 with glutamine.
Molecular consequence: missense variant.
Genome position (GRCh38, 1-based): chr16:89,195,034, G>A. VCF-style: chr16-89195034-G-A. GRCh37 (hg19) VCF-style: chr16-89261442-G-A.
Other names: short protein forms R775Q.
Identifiers: ClinVar variation 377635 (VCV000377635.5), dbSNP rs201368808, ClinGen allele CA8239651.
Genomic context (GRCh38, chr16:89,195,034, plus strand): 5'-GCCAGGGCGATGAGGACCAGGACTACGACTACCTCAGAGACTGGGGGCCCCGCTTCGCCC[G>A]GCTGGCAGACATGTATGGGCACCCGTGCGGGTTGGAGTACGGGGCCAGATGGGACCACCA-3'
Protein context (NP_004924.1, residues 765-785): YLRDWGPRFA[Arg775Gln]LADMYGHPCG